The following is an entry in ClinVar:

NM_013275.6(ANKRD11):c.4345_4346del (p.Gly1449fs)

Gene: ANKRD11 (ankyrin repeat domain containing 11; minus strand). Cytogenetic location: 16q24.3.
Variant type: Deletion.
Coding change: c.4345_4346del on transcript NM_013275.6 (MANE Select); coding-DNA positions 4345 to 4346, 2 bases deleted (GG; older notation c.4345_4346delGG).
Protein change: p.Gly1449fs; shifts the reading frame from glycine 1449.
Molecular consequence: frameshift variant.
Genome position (GRCh38, 1-based): chr16:89,282,196-89,282,197, CC deleted on the plus strand (GG on the coding strand, the reverse complement: ANKRD11 is on the minus strand). VCF-style (leftmost placement, unchanged base first): chr16-89282195-TCC-T. GRCh37 (hg19) VCF-style: chr16-89348603-TCC-T.
Other names: c.4345_4346del, p.Gly1449fs (NM_001256182.2, NM_001256183.2); short protein forms G1449fs.
Identifiers: ClinVar variation 2630402 (VCV002630402.1), dbSNP rs2544233232, ClinGen allele CA2695201159.

ClinVar aggregate classification (germline): Pathogenic (1 of 4 stars; one submission).

Conditions:
ANKRD11-related disorder. Also called: ANKRD11-related condition.

Submission:

PreventionGenetics, part of Exact Sciences
Classification: Pathogenic for ANKRD11-related condition. Last evaluated: 2023-02-27. Review status: criteria provided, single submitter. Criteria: ACMG Guidelines, 2015. Collection method: clinical testing. Allele origin: germline.
Comment: The ANKRD11 c.4345_4346delGG variant is predicted to result in a frameshift and premature protein termination (p.Gly1449Ilefs*2). To our knowledge, this variant has not been reported in the literature or in a large population database, indicating this variant is rare. Frameshift variants in ANKRD11 are expected to be pathogenic. This variant is interpreted as pathogenic.